The following is an entry in ClinVar:

NM_004787.4(SLIT2):c.826G>A (p.Ala276Thr)

Gene: SLIT2 (slit guidance ligand 2; plus strand). Cytogenetic location: 4p15.31.
Variant type: single nucleotide variant.
Coding change: c.826G>A on transcript NM_004787.4 (MANE Select); coding-DNA position 826, G replaced by A.
Protein change: p.Ala276Thr; replaces alanine 276 with threonine.
Molecular consequence: missense variant.
Genome position (GRCh38, 1-based): chr4:20,491,811, G>A. VCF-style: chr4-20491811-G-A. GRCh37 (hg19) VCF-style: chr4-20493434-G-A.
Other names: c.838G>A, p.Ala280Thr (NM_001289135.3); c.826G>A, p.Ala276Thr (NM_001289136.3); short protein forms A276T, A280T.
Identifiers: ClinVar variation 2194216 (VCV002194216.4), dbSNP rs148733702, ClinGen allele CA2871235.

ClinVar aggregate classification (germline): Uncertain significance (1 of 4 stars; one submission).

Allele frequency attached by ClinVar (database versions not stated): ExAC 0.00024; ESP Exome Variant Server 0.00038.
gnomAD v4.1: 448 of 1,613,746 alleles (0.028%); highest among the groups gnomAD compares: Non-Finnish European, 0.035%; no homozygotes.

Submission:

Labcorp Genetics (formerly Invitae), Labcorp
Classification: Uncertain significance. Last evaluated: 2025-09-22. Review status: criteria provided, single submitter. Criteria: Invitae Variant Classification Sherloc (09022015). Collection method: clinical testing. Allele origin: germline.
Comment: This sequence change replaces alanine, which is neutral and non-polar, with threonine, which is neutral and polar, at codon 276 of the SLIT2 protein (p.Ala276Thr). This variant is present in population databases (rs148733702, gnomAD 0.03%). This variant has not been reported in the literature in individuals affected with SLIT2-related conditions. ClinVar contains an entry for this variant (Variation ID: 2194216). An algorithm developed to predict the effect of missense changes on protein structure and function (PolyPhen-2) suggests that this variant is likely to be tolerated. In summary, the available evidence is currently insufficient to determine the role of this variant in disease. Therefore, it has been classified as a Variant of Uncertain Significance.